The following is an entry in ClinVar:

NM_017514.5(PLXNA3):c.3680G>T (p.Gly1227Val)

Gene: PLXNA3 (plexin A3; plus strand). Cytogenetic location: Xq28.
Variant type: single nucleotide variant.
Coding change: c.3680G>T on transcript NM_017514.5 (MANE Select); coding-DNA position 3680, G replaced by T.
Protein change: p.Gly1227Val; replaces glycine 1227 with valine.
Molecular consequence: missense variant.
Genome position (GRCh38, 1-based): chrX:154,467,861, G>T. VCF-style: chrX-154467861-G-T. GRCh37 (hg19) VCF-style: chrX-153696204-G-T.
Other names: short protein forms G1227V.
Identifiers: ClinVar variation 4979119 (VCV004979119.1).

ClinVar aggregate classification (germline): Uncertain significance (1 of 4 stars; one submission).

Conditions:
PLXNA3-related disorder. Also called: PLXNA3-related condition.

Submission:

PreventionGenetics, part of Exact Sciences
Classification: Uncertain significance for PLXNA3-related condition. Last evaluated: 2026-07-13. Review status: criteria provided, single submitter. Criteria: ACMG Guidelines, 2015. Collection method: clinical testing. Allele origin: germline.
Comment: The PLXNA3 c.3680G>T variant is predicted to result in the amino acid substitution p.Gly1227Val. To our knowledge, this variant has not been reported in the literature. This variant is reported in 0.016% of alleles in individuals of African descent in gnomAD. At this time, the clinical significance of this variant is uncertain due to the absence of conclusive functional and genetic evidence.